The following is an entry in ClinVar:

ClinVar aggregate classification (germline): Conflicting classifications of pathogenicity. Review status: criteria provided, conflicting classifications (1 of 4 stars). 3 submissions from 3 submitters: Likely pathogenic (2); Uncertain significance (1). Last evaluated 2026-07-01.

Conditions:
Glycogen storage disease, type II (IOPD). Also called: Glucosidase acid-1,4-alpha deficiency; Pompe Disease; POMPE DISEASE, INFANTILE-ONSET; GLYCOGEN STORAGE DISEASE II, INFANTILE-ONSET; ACID ALPHA-GLUCOSIDASE DEFICIENCY, INFANTILE-ONSET; GAA DEFICIENCY, INFANTILE-ONSET. Identifiers: Orphanet 365, MedGen C0017921, MONDO:0009290, OMIM 232300.

Submissions (3):

Genomenon, Inc
Classification: Uncertain significance for Glycogen storage disease, type II. Last evaluated: 2026-07-01. Review status: criteria provided, single submitter. Criteria: Genomenon Sequence Variant Interpretation Standards - Updated. Collection method: curation. Allele origin: germline. Affected: yes.
Comment: GAA p.Asn520Lys (c.1560C>G) is a missense variant that changes the amino acid at codon 520 from Asparagine to Lysine. This variant has been observed in at least one proband with a GAA-related disorder in the compound heterozygous and/or homozygous state (PMID:35302691). It is absent or not present at a significant frequency in gnomAD. In conclusion, we classify GAA p.Asn520Lys (c.1560C>G) as a variant of uncertain significance.

Myriad Genetics, Inc.
Classification: Likely pathogenic for Glycogen storage disease, type II. Last evaluated: 2026-05-20. Review status: criteria provided, single submitter. Criteria: Myriad Autosomal Dominant, Autosomal Recessive and X-Linked Classification Criteria (2023). Collection method: clinical testing. Allele origin: unknown.
Comment: NM_000152.3(GAA):c.1560C>G(N520K) is a missense variant classified as likely pathogenic in the context of Pompe disease. N520K has been observed in cases with relevant disease (PMID: 35302691, 27812025). Relevant functional assessments of this variant are not available in the literature. N520K has not been observed in referenced population frequency databases. In summary, NM_000152.3(GAA):c.1560C>G(N520K) is a missense variant that has been observed more frequently in cases with the relevant disease than in healthy populations. Please note: this variant was assessed in the context of healthy population screening.

Women's Health and Genetics/Laboratory Corporation of America, LabCorp
Classification: Likely pathogenic for Glycogen storage disease, type II. Last evaluated: 2025-01-03. Review status: criteria provided, single submitter. Criteria: LabCorp Variant Classification Summary - May 2015. Collection method: clinical testing. Allele origin: germline.
Comment: Variant summary: GAA c.1560C>G (p.Asn520Lys) results in a non-conservative amino acid change in the encoded protein sequence. Five of five in-silico tools predict a damaging effect of the variant on protein function. The variant was absent in 251284 control chromosomes (gnomAD). c.1560C>G has been reported in the literature in individuals affected with Glycogen Storage Disease, Type 2 (Pompe Disease) (Masat_2016, Semplicini_2018, de Faria DOS_2020, Dup_2022). These data indicate that the variant is likely to be associated with disease. To our knowledge, no experimental evidence demonstrating an impact on protein function has been reported. The following publications have been ascertained in the context of this evaluation (PMID: 35302691, 27812025, 30155607, 33560568). No submitters have cited clinical-significance assessments for this variant to ClinVar. Based on the evidence outlined above, the variant was classified as likely pathogenic.

Literature cited by the submitters: PubMed 35302691 (cited by 3 submitters); PubMed 27812025 (cited by Myriad Genetics, Inc. and Women's Health and Genetics/Laboratory Corporation of America, LabCorp); PubMed 30155607 (cited by Women's Health and Genetics/Laboratory Corporation of America, LabCorp); PubMed 33560568 (cited by Women's Health and Genetics/Laboratory Corporation of America, LabCorp).

NM_000152.5(GAA):c.1560C>G (p.Asn520Lys)

Gene: GAA (alpha glucosidase; plus strand). Cytogenetic location: 17q25.3.
Variant type: single nucleotide variant.
Coding change: c.1560C>G on transcript NM_000152.5 (MANE Select); coding-DNA position 1560, C replaced by G.
Protein change: p.Asn520Lys; replaces asparagine 520 with lysine.
Molecular consequence: missense variant.
Genome position (GRCh38, 1-based): chr17:80,110,949, C>G. VCF-style: chr17-80110949-C-G. GRCh37 (hg19) VCF-style: chr17-78084748-C-G.
Other names: c.1560C>G, p.Asn520Lys (NM_001079803.3, NM_001079804.3, NM_001406741.1 and 1 more transcripts); short protein forms N520K.
Identifiers: ClinVar variation 3769307 (VCV003769307.4).